The following is an entry in ClinVar:

ClinVar aggregate classification (germline): Conflicting classifications of pathogenicity. Review status: criteria provided, conflicting classifications (1 of 4 stars). 7 submissions from 7 submitters: Uncertain significance (5); Likely benign (2). Last evaluated 2025-12-26.

Conditions:
Neurodevelopmental disorder with seizures and nonepileptic hyperkinetic movements. Identifiers: MedGen C5193128, MONDO:0032784, OMIM 618497.

Allele frequency attached by ClinVar (database versions not stated): gnomAD exomes 0.00011 and 0.00019; ExAC 0.00016; TOPMed 0.00033; gnomAD 0.00038 and 0.00039; 1000 Genomes Project 0.00040; ESP Exome Variant Server 0.00040; 1000 Genomes Project 30x 0.00062.
gnomAD v4.1: 283 of 1,613,564 alleles (0.018%); highest among the groups gnomAD compares: Middle Eastern, 0.23%; 5 homozygotes.

Submissions (7):

Labcorp Genetics (formerly Invitae), Labcorp
Classification: Likely benign. Last evaluated: 2025-12-26. Review status: criteria provided, single submitter. Criteria: Invitae Variant Classification Sherloc (09022015). Collection method: clinical testing. Allele origin: germline.

GeneDx
Classification: Uncertain significance. Last evaluated: 2025-04-25. Review status: criteria provided, single submitter. Criteria: GeneDx Variant Classification Process June 2021. Collection method: clinical testing. Allele origin: germline. Affected: yes.
Comment: Reported heterozygous in an individual with cervical dystonia (PMID: 38845987); In silico analysis supports that this missense variant has a deleterious effect on protein structure/function; This variant is associated with the following publications: (PMID: 38845987)

Blueprint Genetics
Classification: Uncertain significance. Last evaluated: 2024-11-18. Review status: criteria provided, single submitter. Criteria: ACMG Guidelines, 2015. Collection method: clinical testing. Allele origin: germline.

Department of Neurology, Xijing Hospital, Fourth Military Medical University
Classification: Uncertain significance for Neurodevelopmental disorder with seizures and nonepileptic hyperkinetic movements. Last evaluated: 2022-03-01. Review status: criteria provided, single submitter. Criteria: ACMG Guidelines, 2015. Collection method: clinical testing. Allele origin: germline.

CeGaT Center for Human Genetics Tuebingen
Classification: Likely benign. Last evaluated: 2021-12-01. Review status: criteria provided, single submitter. Criteria: CeGaT Center For Human Genetics Tuebingen Variant Classification Criteria Version 2. Collection method: clinical testing. Allele origin: germline. Affected: yes. Observed: 1 variant allele.

New York Genome Center
Classification: Uncertain significance for Neurodevelopmental disorder with seizures and nonepileptic hyperkinetic movements. Last evaluated: 2020-05-01. Review status: criteria provided, single submitter. Criteria: NYGC Assertion Criteria 2020. Collection method: clinical testing. Allele origin: inherited. Observed: 1 heterozygote. Study: CSER-NYCKidSeq.

Revvity Omics, Revvity
Classification: Uncertain significance for Neurodevelopmental disorder with seizures and nonepileptic hyperkinetic movements. Last evaluated: 2019-11-05. Review status: criteria provided, single submitter. Criteria: ACMG Guidelines, 2015. Collection method: clinical testing. Allele origin: germline.

NM_000718.4(CACNA1B):c.5455G>A (p.Ala1819Thr)

Gene: CACNA1B (calcium voltage-gated channel subunit alpha1 B; plus strand). Cytogenetic location: 9q34.3.
Variant type: single nucleotide variant.
Coding change: c.5455G>A on transcript NM_000718.4 (MANE Select); coding-DNA position 5455, G replaced by A.
Protein change: p.Ala1819Thr; replaces alanine 1819 with threonine.
Molecular consequence: missense variant.
Genome position (GRCh38, 1-based): chr9:138,112,424, G>A. VCF-style: chr9-138112424-G-A. GRCh37 (hg19) VCF-style: chr9-141006876-G-A.
Other names: c.5455G>A, p.Ala1819Thr (NM_001243812.2); short protein forms A1819T.
Identifiers: ClinVar variation 1325605 (VCV001325605.59), dbSNP rs200122209, ClinGen allele CA5377377.